The following is an entry in ClinVar:

NM_000204.5(CFI):c.1661A>G (p.Glu554Gly)

Gene: CFI (complement factor I; minus strand). Cytogenetic location: 4q25.
Variant type: single nucleotide variant.
Coding change: c.1661A>G on transcript NM_000204.5 (MANE Select); coding-DNA position 1661, A replaced by G.
Protein change: p.Glu554Gly; replaces glutamic acid 554 with glycine.
Molecular consequence: missense variant. On other transcripts: non-coding transcript variant (3), intron variant (5).
Genome position (GRCh38, 1-based): chr4:109,740,984, T>C on the plus strand (A>G on the coding strand, the complement: CFI is on the minus strand). VCF-style: chr4-109740984-T-C. GRCh37 (hg19) VCF-style: chr4-110662140-T-C.
Other names: c.1685A>G, p.Glu562Gly (NM_001318057.2); c.1640A>G, p.Glu547Gly (NM_001331035.2); c.1604A>G, p.Glu535Gly (NM_001375283.1); c.1052A>G, p.Glu351Gly (NM_001375284.1); c.1513+1507A>G (NM_001375282.1, NM_001375280.1); c.1534+1507A>G (NM_001375281.1, NM_001375279.1); c.1558+1507A>G (NM_001375278.1); short protein forms E535G, E554G, E547G, E351G, E562G.
Identifiers: ClinVar variation 3681952 (VCV003681952.2).

ClinVar aggregate classification (germline): Uncertain significance (1 of 4 stars; one submission).

Submission:

Labcorp Genetics (formerly Invitae), Labcorp
Classification: Uncertain significance. Last evaluated: 2024-10-21. Review status: criteria provided, single submitter. Criteria: Invitae Variant Classification Sherloc (09022015). Collection method: clinical testing. Allele origin: germline.
Comment: This sequence change replaces glutamic acid, which is acidic and polar, with glycine, which is neutral and non-polar, at codon 554 of the CFI protein (p.Glu554Gly). This variant is present in population databases (no rsID available, gnomAD 0.01%). This variant has not been reported in the literature in individuals affected with CFI-related conditions. Invitae Evidence Modeling of protein sequence and biophysical properties (such as structural, functional, and spatial information, amino acid conservation, physicochemical variation, residue mobility, and thermodynamic stability) indicates that this missense variant is not expected to disrupt CFI protein function with a negative predictive value of 80%. In summary, the available evidence is currently insufficient to determine the role of this variant in disease. Therefore, it has been classified as a Variant of Uncertain Significance.